The following is an entry in ClinVar:

ClinVar aggregate classification (germline): Benign. Review status: criteria provided, multiple submitters, no conflicts (2 of 4 stars). 11 submissions from 9 submitters: Benign (8). 3 of the submissions do not count toward it. Last evaluated 2026-02-04.

Conditions:
Autosomal recessive limb-girdle muscular dystrophy type 2N. Also called: MUSCULAR DYSTROPHY-DYSTROGLYCANOPATHY, LIMB-GIRDLE, POMT2-RELATED; Muscular dystrophy-dystroglycanopathy (limb-girdle), type C, 2. Identifiers: Orphanet 206559, MedGen C3150418, MONDO:0013162, OMIM 613158.
Muscular dystrophy-dystroglycanopathy (congenital with brain and eye anomalies), type A2. Also called: MUSCULAR DYSTROPHY-DYSTROGLYCANOPATHY (CONGENITAL WITH BRAIN AND EYE ANOMALIES), TYPE A, 2; WALKER-WARBURG SYNDROME OR MUSCLE-EYE-BRAIN DISEASE, POMT2-RELATED. Identifiers: Orphanet 588, Orphanet 899, MedGen C3150411, MONDO:0013154, OMIM 613150.
Muscular dystrophy-dystroglycanopathy (congenital with impaired intellectual development), type B, 2. Also called: MUSCULAR DYSTROPHY, CONGENITAL, POMT2-RELATED; Muscular dystrophy-dystroglycanopathy (congenital with intellectual disability), type B2. Identifiers: MedGen C3150416, MONDO:0013160, OMIM 613156.

Allele frequency attached by ClinVar (database versions not stated): gnomAD exomes 0.80430 and 0.81801; ExAC 0.82082; TOPMed 0.82498; ESP Exome Variant Server 0.82800; gnomAD 0.82826 and 0.82874; 1000 Genomes Project 30x 0.85634; 1000 Genomes Project 0.85823.
gnomAD v4.1: 1,302,129 of 1,613,592 alleles (81%); highest among the groups gnomAD compares: East Asian, 96%; 526,782 homozygotes.

Submissions (11):

Labcorp Genetics (formerly Invitae), Labcorp
Classification: Benign for Muscular dystrophy-dystroglycanopathy (congenital with impaired intellectual development), type B, 2; Muscular dystrophy-dystroglycanopathy (congenital with brain and eye anomalies), type A2; Autosomal recessive limb-girdle muscular dystrophy type 2N. Last evaluated: 2026-02-04. Review status: criteria provided, single submitter. Criteria: Invitae Variant Classification Sherloc (09022015). Collection method: clinical testing. Allele origin: germline.

Blueprint Genetics
Classification: Benign. Last evaluated: 2024-11-27. Review status: criteria provided, single submitter. Criteria: ACMG Guidelines, 2015. Collection method: clinical testing. Allele origin: germline.

Genome-Nilou Lab
Classification: Benign for Muscular dystrophy-dystroglycanopathy (congenital with brain and eye anomalies), type A2. Last evaluated: 2021-10-25. Review status: criteria provided, single submitter. Criteria: ACMG Guidelines, 2015. Collection method: clinical testing. Allele origin: germline. Affected: no.

Genome-Nilou Lab
Classification: Benign for Muscular dystrophy-dystroglycanopathy (congenital with impaired intellectual development), type B, 2. Last evaluated: 2021-10-25. Review status: criteria provided, single submitter. Criteria: ACMG Guidelines, 2015. Collection method: clinical testing. Allele origin: germline. Affected: no.

Genome-Nilou Lab
Classification: Benign for Autosomal recessive limb-girdle muscular dystrophy type 2N. Last evaluated: 2021-10-25. Review status: criteria provided, single submitter. Criteria: ACMG Guidelines, 2015. Collection method: clinical testing. Allele origin: germline. Affected: no.

Laboratory for Molecular Medicine, Mass General Brigham Personalized Medicine
Classification: Benign. Last evaluated: 2014-11-24. Review status: criteria provided, single submitter. Criteria: LMM Criteria. Collection method: clinical testing. Allele origin: germline. Observed: 13 variant alleles.
Comment: Arg461Arg in exon 13 of POMT2: This variant is not expected to have clinical sig nificance because it does not alter an amino acid residue and is not located wit hin the splice consensus sequence. It has been identified in 19.3% (1664/8600) o f European American chromosomes from a broad population by the NHLBI Exome Seque ncing Project (dbSNP rs2270419).

Eurofins Ntd Llc (ga)
Classification: Benign. Last evaluated: 2013-06-11. Review status: criteria provided, single submitter. Criteria: EGL Classification Definitions 2015. Collection method: clinical testing. Allele origin: germline. Observed: 75 variant alleles, 21 heterozygotes, 54 homozygotes.

Breakthrough Genomics
Classification: Benign. Review status: criteria provided, single submitter. Criteria: ACMG Guidelines, 2015. Collection method: not provided. Allele origin: germline. Inheritance: Autosomal recessive inheritance. Affected: yes.

Clinical Genetics DNA and cytogenetics Diagnostics Lab, Erasmus MC, Erasmus Medical Center
Classification: Benign. Review status: no assertion criteria provided. Collection method: clinical testing. Allele origin: germline. Affected: yes. Study: VKGL Data-share Consensus. Not counted in ClinVar's aggregate classification.

Clinical Genetics, Academic Medical Center
Classification: Benign. Review status: no assertion criteria provided. Collection method: clinical testing. Allele origin: germline. Affected: yes. Study: VKGL Data-share Consensus. Not counted in ClinVar's aggregate classification.

Diagnostic Laboratory, Department of Genetics, University Medical Center Groningen
Classification: Benign. Review status: no assertion criteria provided. Collection method: clinical testing. Allele origin: germline. Affected: yes. Study: VKGL Data-share Consensus. Not counted in ClinVar's aggregate classification.

NM_013382.7(POMT2):c.1383G>A (p.Arg461=)

Gene: POMT2 (protein O-mannosyltransferase 2; minus strand). Cytogenetic location: 14q24.3.
Variant type: single nucleotide variant.
Coding change: c.1383G>A on transcript NM_013382.7 (MANE Select); coding-DNA position 1383, G replaced by A.
Protein change: p.Arg461=; no amino-acid change (arginine 461 retained).
Molecular consequence: synonymous variant.
Genome position (GRCh38, 1-based): chr14:77,285,582, C>T on the plus strand (G>A on the coding strand, the complement: POMT2 is on the minus strand). VCF-style: chr14-77285582-C-T. GRCh37 (hg19) VCF-style: chr14-77751925-C-T.
Identifiers: ClinVar variation 166906 (VCV000166906.26), dbSNP rs2270419, ClinGen allele CA179906.